The following is an entry in ClinVar:

ClinVar aggregate classification (germline): Uncertain significance. Review status: criteria provided, single submitter (1 of 4 stars). 2 submissions from 2 submitters: Uncertain significance (1). 1 of the submissions does not count toward it. Last evaluated 2024-11-25.

Conditions:
Usher syndrome type 1B (USH1B). Also called: Usher syndrome type IB. Identifiers: MedGen C1848638, MONDO:0700087.

Allele frequency attached by ClinVar (database versions not stated): gnomAD 0.00001; gnomAD exomes 0.00001; TOPMed 0.00001.
gnomAD v4.1: 4 of 1,613,666 alleles (0.00025%); highest among the groups gnomAD compares: Admixed American, 0.0017%; no homozygotes.

Submissions (2):

Labcorp Genetics (formerly Invitae), Labcorp
Classification: Uncertain significance. Last evaluated: 2024-11-25. Review status: criteria provided, single submitter. Criteria: Invitae Variant Classification Sherloc (09022015). Collection method: clinical testing. Allele origin: germline.
Comment: This sequence change replaces alanine, which is neutral and non-polar, with threonine, which is neutral and polar, at codon 1322 of the MYO7A protein (p.Ala1322Thr). This variant is not present in population databases (gnomAD no frequency). This variant has not been reported in the literature in individuals affected with MYO7A-related conditions. ClinVar contains an entry for this variant (Variation ID: 991566). Invitae Evidence Modeling of protein sequence and biophysical properties (such as structural, functional, and spatial information, amino acid conservation, physicochemical variation, residue mobility, and thermodynamic stability) has been performed for this missense variant. However, the output from this modeling did not meet the statistical confidence thresholds required to predict the impact of this variant on MYO7A protein function. In summary, the available evidence is currently insufficient to determine the role of this variant in disease. Therefore, it has been classified as a Variant of Uncertain Significance.

Natera, Inc.
Classification: Uncertain significance for Usher syndrome type 1B. Last evaluated: 2020-04-16. Review status: no assertion criteria provided. Collection method: clinical testing. Allele origin: germline. Not counted in ClinVar's aggregate classification.

NM_000260.4(MYO7A):c.3964G>A (p.Ala1322Thr)

Gene: MYO7A (myosin VIIA; plus strand). Cytogenetic location: 11q13.5.
Variant type: single nucleotide variant.
Coding change: c.3964G>A on transcript NM_000260.4 (MANE Select); coding-DNA position 3964, G replaced by A.
Protein change: p.Ala1322Thr; replaces alanine 1322 with threonine.
Molecular consequence: missense variant.
Genome position (GRCh38, 1-based): chr11:77,192,090, G>A. VCF-style: chr11-77192090-G-A. GRCh37 (hg19) VCF-style: chr11-76903135-G-A.
Other names: c.3964G>A, p.Ala1322Thr (NM_001127180.2); c.3931G>A, p.Ala1311Thr (NM_001369365.1); short protein forms A1311T, A1322T.
Identifiers: ClinVar variation 991566 (VCV000991566.6), dbSNP rs1455741859, ClinGen allele CA381948529.